The following is an entry in ClinVar:

ClinVar aggregate classification (germline): Uncertain significance (1 of 4 stars; one submission).

Conditions:
SEMA3G-related disorder. Also called: SEMA3G-related condition.

Submission:

PreventionGenetics, part of Exact Sciences
Classification: Uncertain significance for SEMA3G-related condition. Last evaluated: 2025-02-05. Review status: criteria provided, single submitter. Criteria: ACMG Guidelines, 2015. Collection method: clinical testing. Allele origin: germline.
Comment: The SEMA3G c.2135A>C variant is predicted to result in the amino acid substitution p.Gln712Pro. To our knowledge, this variant has not been reported in the literature or in a large population database (GnomAD), indicating this variant is rare. At this time, the clinical significance of this variant is uncertain due to the absence of conclusive functional and genetic evidence.

NM_020163.3(SEMA3G):c.2135A>C (p.Gln712Pro)

Gene: SEMA3G (semaphorin 3G; minus strand). Cytogenetic location: 3p21.1.
Variant type: single nucleotide variant.
Coding change: c.2135A>C on transcript NM_020163.3 (MANE Select); coding-DNA position 2135, A replaced by C.
Protein change: p.Gln712Pro; replaces glutamine 712 with proline.
Molecular consequence: missense variant.
Genome position (GRCh38, 1-based): chr3:52,435,817, T>G on the plus strand (A>C on the coding strand, the complement: SEMA3G is on the minus strand). VCF-style: chr3-52435817-T-G. GRCh37 (hg19) VCF-style: chr3-52469833-T-G.
Other names: short protein forms Q712P.
Identifiers: ClinVar variation 4985181 (VCV004985181.1).